The following is an entry in ClinVar:

NM_001378454.1(ALMS1):c.8239G>T (p.Val2747Leu)

Gene: ALMS1 (ALMS1 centrosome and basal body associated protein; plus strand). Cytogenetic location: 2p13.1.
Variant type: single nucleotide variant.
Coding change: c.8239G>T on transcript NM_001378454.1 (MANE Select); coding-DNA position 8239, G replaced by T.
Protein change: p.Val2747Leu; replaces valine 2747 with leucine.
Molecular consequence: missense variant.
Genome position (GRCh38, 1-based): chr2:73,490,198, G>T. VCF-style: chr2-73490198-G-T. GRCh37 (hg19) VCF-style: chr2-73717325-G-T.
Other names: c.8242G>T, p.Val2748Leu (NM_015120.4); short protein forms V2748L, V2747L.
Identifiers: ClinVar variation 241012 (VCV000241012.12), dbSNP rs878855002, ClinGen allele CA10582103.

ClinVar aggregate classification (germline): Uncertain significance. Review status: criteria provided, multiple submitters, no conflicts (2 of 4 stars). 4 submissions from 4 submitters: Uncertain significance (3). 1 of the submissions does not count toward it. Last evaluated 2023-12-19.

Conditions:
Cardiovascular phenotype. Identifiers: MedGen CN230736.
Alstrom syndrome (ALMS). Identifiers: Orphanet 64, MedGen C0268425, MONDO:0008763, OMIM 203800.

Allele frequency attached by ClinVar (database versions not stated): gnomAD 0.00001; gnomAD exomes 0.00001.
gnomAD v4.1: 19 of 1,614,008 alleles (0.0012%); highest among the groups gnomAD compares: Non-Finnish European, 0.0016%; no homozygotes.

Submissions (4):

ARUP Laboratories, Molecular Genetics and Genomics, ARUP Laboratories
Classification: Uncertain significance for Alstrom syndrome. Last evaluated: 2023-12-19. Review status: criteria provided, single submitter. Criteria: ARUP Molecular Germline Variant Investigation Process 2024. Collection method: clinical testing. Allele origin: germline.
Comment: The ALMS1 c.8239G>T; p.Val2747Leu variant (rs878855002), to our knowledge, is not reported in the medical literature but is reported in ClinVar (Variation ID: 241012). This variant is absent from the Genome Aggregation Database (v2.1.1), indicating it is not a common polymorphism. Computational analyses predict that this variant is neutral (REVEL: 0.119). Due to limited information, the clinical significance of this variant is uncertain at this time.

Labcorp Genetics (formerly Invitae), Labcorp
Classification: Uncertain significance for Alstrom syndrome. Last evaluated: 2022-08-12. Review status: criteria provided, single submitter. Criteria: Invitae Variant Classification Sherloc (09022015). Collection method: clinical testing. Allele origin: germline.
Comment: This sequence change replaces valine, which is neutral and non-polar, with leucine, which is neutral and non-polar, at codon 2748 of the ALMS1 protein (p.Val2748Leu). This variant is not present in population databases (gnomAD no frequency). This variant has not been reported in the literature in individuals affected with ALMS1-related conditions. ClinVar contains an entry for this variant (Variation ID: 241012). Algorithms developed to predict the effect of missense changes on protein structure and function output the following: SIFT: "Not Available"; PolyPhen-2: "Not Available"; Align-GVGD: "Not Available". The leucine amino acid residue is found in multiple mammalian species, which suggests that this missense change does not adversely affect protein function. In summary, the available evidence is currently insufficient to determine the role of this variant in disease. Therefore, it has been classified as a Variant of Uncertain Significance.

Ambry Genetics
Classification: Uncertain significance for Cardiovascular phenotype. Last evaluated: 2020-02-27. Review status: criteria provided, single submitter. Criteria: Ambry Variant Classification Scheme 2023. Collection method: clinical testing. Allele origin: germline.
Comment: The p.V2748L variant (also known as c.8242G>T), located in coding exon 10 of the ALMS1 gene, results from a G to T substitution at nucleotide position 8242. The valine at codon 2748 is replaced by leucine, an amino acid with highly similar properties. This amino acid position is not well conserved in available vertebrate species, and leucine is the reference amino acid in other vertebrate species. In addition, this alteration is predicted to be tolerated by in silico analysis. Since supporting evidence is limited at this time, the clinical significance of this alteration remains unclear.

Natera, Inc.
Classification: Uncertain significance for Alstrom syndrome. Last evaluated: 2021-08-11. Review status: no assertion criteria provided. Collection method: clinical testing. Allele origin: germline. Not counted in ClinVar's aggregate classification.